The following is an entry in ClinVar:

ClinVar aggregate classification (germline): Pathogenic (1 of 4 stars; one submission).

Submission:

ISCA Site 6
Classification: Pathogenic. Last evaluated: 2011-08-12. Review status: criteria provided, single submitter. Criteria: Kaminsky et al. (Genet Med. 2011). Collection method: clinical testing. Allele origin: maternal, unknown. Affected: yes. Observed: 2 variant alleles.
Comment: Copy number variation identified through the course of routine clinical cytogenomic testing in postnatal populations. Clinical assertions have been curated as described in Kaminsky et al. 2011.

GRCh38/hg38 1q21.1(chr1:145635445-146046645)x1

Genes: ANKRD34A (ankyrin repeat domain 34A; minus strand), ANKRD35 (ankyrin repeat domain 35; minus strand), ANKRD35-DT (ANKRD35 divergent transcript; plus strand), CD160 (CD160 molecule; plus strand), GPHRA (golgi pH regulator A; plus strand) and 48 more. Cytogenetic location: 1q21.1.
Variant type: copy number loss.
Change: copy number 1 (one copy instead of two) of chr1:145,635,445-146,046,645 (411.2 kb, GRCh38 coordinates, 1-based), cytogenetic band 1q21.1.
Identifiers: ClinVar variation 59871 (VCV000059871.2).